The following is an entry in ClinVar:

ClinVar aggregate classification (germline): Uncertain significance (1 of 4 stars; one submission).

Allele frequency attached by ClinVar (database versions not stated): gnomAD exomes 0.00001.
gnomAD v4.1: 16 of 1,601,652 alleles (0.001%); highest among the groups gnomAD compares: South Asian, 0.0033%; no homozygotes.

Submissions (2):

Labcorp Genetics (formerly Invitae), Labcorp
Classification: Uncertain significance. Last evaluated: 2023-06-19. Review status: criteria provided, single submitter. Criteria: Invitae Variant Classification Sherloc (09022015). Collection method: clinical testing. Allele origin: germline.
Comment: This sequence change affects codon 823 of the PDE2A mRNA. It is a 'silent' change, meaning that it does not change the encoded amino acid sequence of the PDE2A protein. This variant also falls at the last nucleotide of exon 28, which is part of the consensus splice site for this exon. This variant is present in population databases (no rsID available, gnomAD 0.003%). This variant has not been reported in the literature in individuals affected with PDE2A-related conditions. Variants that disrupt the consensus splice site are a relatively common cause of aberrant splicing (PMID: 17576681, 9536098). Algorithms developed to predict the effect of sequence changes on RNA splicing suggest that this variant may create or strengthen a splice site. In summary, the available evidence is currently insufficient to determine the role of this variant in disease. Therefore, it has been classified as a Variant of Uncertain Significance.

Dr. Peter K. Rogan Lab, Western University
No classification provided (evidence only). Condition: Squamous cell lung carcinoma. Review status: no classification provided. Collection method: in vitro. Allele origin: not applicable. Functional consequence: retained intron. Not counted in ClinVar's aggregate classification.

Literature cited by the submitters: PubMed 17576681 (cited by Labcorp Genetics (formerly Invitae), Labcorp); PubMed 9536098 (cited by Labcorp Genetics (formerly Invitae), Labcorp).

NM_002599.5(PDE2A):c.2469G>A (p.Ala823=)

Gene: PDE2A (phosphodiesterase 2A; minus strand). Cytogenetic location: 11q13.4.
Variant type: single nucleotide variant.
Coding change: c.2469G>A on transcript NM_002599.5 (MANE Select); coding-DNA position 2469, G replaced by A.
Protein change: p.Ala823=; no amino-acid change (alanine 823 retained).
Molecular consequence: synonymous variant.
Genome position (GRCh38, 1-based): chr11:72,578,897, C>T on the plus strand (G>A on the coding strand, the complement: PDE2A is on the minus strand). VCF-style: chr11-72578897-C-T. GRCh37 (hg19) VCF-style: chr11-72289941-C-T.
Other names: c.2448G>A, p.Ala816= (NM_001143839.4); c.2442G>A, p.Ala814= (NM_001146209.3); c.2406G>A, p.Ala802= (NM_001243784.2).
Identifiers: ClinVar variation 2971032 (VCV002971032.4), dbSNP rs1263976937, ClinGen allele CA475622766.